The following is an entry in ClinVar:

NM_001018113.3(FANCB):c.2249_2252del (p.Gly750fs)

Gene: FANCB (FA complementation group B; minus strand). Cytogenetic location: Xp22.2.
Variant type: Deletion.
Coding change: c.2249_2252del on transcript NM_001018113.3 (MANE Select); coding-DNA positions 2249 to 2252, 4 bases deleted (GAAG; older notation c.2249_2252delGAAG).
Protein change: p.Gly750fs; shifts the reading frame from glycine 750.
Molecular consequence: frameshift variant.
Genome position (GRCh38, 1-based): chrX:14,843,895-14,843,898, CTTC deleted on the plus strand (GAAG on the coding strand, the reverse complement: FANCB is on the minus strand); deleting any 4 consecutive bases within chrX:14,843,895-14,843,900 gives the same sequence; the c. name uses the placement nearest the transcript's 3' end. VCF-style (leftmost placement, unchanged base first): chrX-14843894-ACTTC-A. GRCh37 (hg19) VCF-style: chrX-14862016-ACTTC-A.
Other names: c.2249_2252del, p.Gly750fs (NM_001324162.2, NM_152633.4); short protein forms G750fs.
Identifiers: ClinVar variation 691316 (VCV000691316.2), dbSNP rs1601976527, ClinGen allele CA915950774.

ClinVar aggregate classification (germline): Pathogenic (0 of 4 stars; one submission).

Conditions:
Fanconi anemia complementation group B (FANCB). Also called: FANCB-Related Fanconi Anemia; FANCONI PANCYTOPENIA, TYPE 2. Identifiers: Orphanet 84, MedGen C1845292, MONDO:0010351, OMIM 300514.

Submission:

Leiden Open Variation Database
Classification: Pathogenic for Fanconi anemia complementation group B. Last evaluated: 2020-02-28. Review status: no assertion criteria provided. Collection method: curation. Allele origin: germline. Affected: yes.
Comment: Curator: Arleen D. Auerbach. Submitter to LOVD: Arleen D. Auerbach. Comment: Variant observed de novo.